The following is an entry in ClinVar:

NM_025137.4(SPG11):c.1603-1G>C

Gene: SPG11 (SPG11 vesicle trafficking associated, spatacsin; minus strand). Cytogenetic location: 15q21.1.
Variant type: single nucleotide variant.
Coding change: c.1603-1G>C on transcript NM_025137.4 (MANE Select); the canonical splice acceptor site of the intron before coding-DNA position 1603, G replaced by C.
Molecular consequence: splice acceptor variant.
Genome position (GRCh38, 1-based): chr15:44,633,638, C>G on the plus strand (G>C on the coding strand, the complement: SPG11 is on the minus strand). VCF-style: chr15-44633638-C-G. GRCh37 (hg19) VCF-style: chr15-44925836-C-G.
Other names: c.1603-1G>C (NM_001411132.1, NM_001160227.2).
Identifiers: ClinVar variation 2764772 (VCV002764772.3), dbSNP rs2505629437, ClinGen allele CA392235451.

ClinVar aggregate classification (germline): Pathogenic (1 of 4 stars; one submission).

Conditions:
Hereditary spastic paraplegia 11. Also called: Spastic paraplegia, mental retardation and thin corpus callosum; SPASTIC PARAPLEGIA, AUTOSOMAL RECESSIVE, COMPLICATED, WITH THIN CORPUS CALLOSUM; SPASTIC PARAPLEGIA, AUTOSOMAL RECESSIVE, WITH MENTAL IMPAIRMENT AND THIN CORPUS CALLOSUM; Spastic Paraplegia 11; Nakamura Osame syndrome; Autosomal recessive hereditary spastic paraplegia, mental impairment, and thin corpus callosum. Identifiers: Orphanet 2822, MedGen C1858479, MONDO:0011445, OMIM 604360.

Submission:

Labcorp Genetics (formerly Invitae), Labcorp
Classification: Pathogenic for Hereditary spastic paraplegia 11. Last evaluated: 2023-11-24. Review status: criteria provided, single submitter. Criteria: Invitae Variant Classification Sherloc (09022015). Collection method: clinical testing. Allele origin: germline.
Comment: This sequence change affects an acceptor splice site in intron 7 of the SPG11 gene. It is expected to disrupt RNA splicing. Variants that disrupt the donor or acceptor splice site typically lead to a loss of protein function (PMID: 16199547), and loss-of-function variants in SPG11 are known to be pathogenic (PMID: 19105190, 20110243, 22154821, 26556829). This variant is not present in population databases (gnomAD no frequency). Disruption of this splice site has been observed in individual(s) with hereditary spastic paraplegia (PMID: 32007496). In at least one individual the data is consistent with being in trans (on the opposite chromosome) from a pathogenic variant. Algorithms developed to predict the effect of sequence changes on RNA splicing suggest that this variant may disrupt the consensus splice site. For these reasons, this variant has been classified as Pathogenic.

Literature cited by the submitters: PubMed 16199547; PubMed 19105190; PubMed 20110243; PubMed 22154821; PubMed 26556829; PubMed 32007496.